The following is an entry in ClinVar:

ClinVar aggregate classification (germline): Uncertain significance. Review status: criteria provided, multiple submitters, no conflicts (2 of 4 stars). 2 submissions from 2 submitters: Uncertain significance (2). Last evaluated 2025-01-31.

Conditions:
Brachyolmia-amelogenesis imperfecta syndrome. Also called: PLATYSPONDYLY WITH AMELOGENESIS IMPERFECTA; Tooth agenesis, selective, 6; Dental anomalies and short stature. Identifiers: Orphanet 2899, MedGen C1832594, MONDO:0011018, OMIM 601216. Disease mechanism: loss of function.
Inborn genetic diseases. Identifiers: MedGen C0950123, MeSH D030342.

Allele frequency attached by ClinVar (database versions not stated): ExAC 0.00002; gnomAD 0.00003; ESP Exome Variant Server 0.00015.
gnomAD v4.1: 6 of 1,613,648 alleles (0.00037%); highest among the groups gnomAD compares: African/African-American, 0.008%; no homozygotes.

Submissions (2):

Ambry Genetics
Classification: Uncertain significance for Inborn genetic diseases. Last evaluated: 2025-01-31. Review status: criteria provided, single submitter. Criteria: Ambry Variant Classification Scheme 2023. Collection method: clinical testing. Allele origin: germline.

Labcorp Genetics (formerly Invitae), Labcorp
Classification: Uncertain significance for Brachyolmia-amelogenesis imperfecta syndrome. Last evaluated: 2023-08-15. Review status: criteria provided, single submitter. Criteria: Invitae Variant Classification Sherloc (09022015). Collection method: clinical testing. Allele origin: germline.
Comment: In summary, the available evidence is currently insufficient to determine the role of this variant in disease. Therefore, it has been classified as a Variant of Uncertain Significance. An algorithm developed to predict the effect of missense changes on protein structure and function (PolyPhen-2) suggests that this variant is likely to be tolerated. ClinVar contains an entry for this variant (Variation ID: 1918290). This variant has not been reported in the literature in individuals affected with LTBP3-related conditions. This variant is present in population databases (rs141171572, gnomAD 0.01%). This sequence change replaces proline, which is neutral and non-polar, with histidine, which is basic and polar, at codon 595 of the LTBP3 protein (p.Pro595His).

NM_001130144.3(LTBP3):c.1784C>A (p.Pro595His)

Gene: LTBP3 (latent transforming growth factor beta binding protein 3; minus strand). Cytogenetic location: 11q13.1.
Variant type: single nucleotide variant.
Coding change: c.1784C>A on transcript NM_001130144.3 (MANE Select); coding-DNA position 1784, C replaced by A.
Protein change: p.Pro595His; replaces proline 595 with histidine.
Molecular consequence: missense variant.
Genome position (GRCh38, 1-based): chr11:65,547,982, G>T on the plus strand (C>A on the coding strand, the complement: LTBP3 is on the minus strand). VCF-style: chr11-65547982-G-T. GRCh37 (hg19) VCF-style: chr11-65315453-G-T.
Other names: c.1784C>A (NM_001130144.2); c.1433C>A, p.Pro478His (NM_001164266.1); c.1784C>A, p.Pro595His (NM_021070.4); short protein forms P478H, P595H.
Identifiers: ClinVar variation 1918290 (VCV001918290.6), dbSNP rs141171572, ClinGen allele CA6100861.